The following is an entry in ClinVar:

NM_000388.4(CASR):c.1952C>T (p.Ser651Phe)

Gene: CASR (calcium sensing receptor; plus strand). Cytogenetic location: 3q21.1.
Variant type: single nucleotide variant.
Coding change: c.1952C>T on transcript NM_000388.4 (MANE Select); coding-DNA position 1952, C replaced by T.
Protein change: p.Ser651Phe; replaces serine 651 with phenylalanine.
Molecular consequence: missense variant.
Genome position (GRCh38, 1-based): chr3:122,283,906, C>T. VCF-style: chr3-122283906-C-T. GRCh37 (hg19) VCF-style: chr3-122002753-C-T.
Other names: c.1982C>T, p.Ser661Phe (NM_001178065.2); short protein forms S651F, S661F.
Identifiers: ClinVar variation 1476947 (VCV001476947.8), dbSNP rs2074926080, ClinGen allele CA354158124.

ClinVar aggregate classification (germline): Uncertain significance (1 of 4 stars; one submission).

Conditions:
Familial hypocalciuric hypercalcemia (FHH). Also called: Familial benign hypercalcemia. Identifiers: Orphanet 405, MedGen C1809471, MONDO:0018458.
Autosomal dominant hypocalcemia 1 (HYPOC1). Also called: HYPOCALCEMIA, FAMILIAL. Identifiers: MedGen C3715128, MONDO:0011013, OMIM 601198.

Submission:

Labcorp Genetics (formerly Invitae), Labcorp
Classification: Uncertain significance for Familial hypocalciuric hypercalcemia; Autosomal dominant hypocalcemia 1. Last evaluated: 2025-07-02. Review status: criteria provided, single submitter. Criteria: Invitae Variant Classification Sherloc (09022015). Collection method: clinical testing. Allele origin: germline.
Comment: This sequence change replaces serine, which is neutral and polar, with phenylalanine, which is neutral and non-polar, at codon 651 of the CASR protein (p.Ser651Phe). This variant is not present in population databases (gnomAD no frequency). This variant has not been reported in the literature in individuals affected with CASR-related conditions. ClinVar contains an entry for this variant (Variation ID: 1476947). An algorithm developed to predict the effect of missense changes on protein structure and function (PolyPhen-2) suggests that this variant is likely to be disruptive. In summary, the available evidence is currently insufficient to determine the role of this variant in disease. Therefore, it has been classified as a Variant of Uncertain Significance.